The following is an entry in ClinVar:

NM_004260.4(RECQL4):c.1873T>C (p.Cys625Arg)

Gene: RECQL4 (RecQ like helicase 4; minus strand). Cytogenetic location: 8q24.3.
Variant type: single nucleotide variant.
Coding change: c.1873T>C on transcript NM_004260.4 (MANE Select); coding-DNA position 1873, T replaced by C.
Protein change: p.Cys625Arg; replaces cysteine 625 with arginine.
Molecular consequence: missense variant. On other transcripts: non-coding transcript variant (3).
Genome position (GRCh38, 1-based): chr8:144,514,194, A>G on the plus strand (T>C on the coding strand, the complement: RECQL4 is on the minus strand). VCF-style: chr8-144514194-A-G. GRCh37 (hg19) VCF-style: chr8-145739578-A-G.
Other names: c.802T>C, p.Cys268Arg (NM_001413021.1, NM_001413022.1, NM_001413023.1 and 6 more transcripts); c.1744T>C, p.Cys582Arg (NM_001413025.1); c.736T>C, p.Cys246Arg (NM_001413027.1, NM_001413030.1, NM_001413032.1 and 1 more transcripts); c.1522T>C, p.Cys508Arg (NM_001413029.1); c.604T>C, p.Cys202Arg (NM_001413031.1); c.1777T>C, p.Cys593Arg (NM_001413017.1, NM_001413020.1); c.1873T>C, p.Cys625Arg (NM_001413018.1, NM_001413019.1, NM_001413036.1); c.1741T>C, p.Cys581Arg (NM_001413033.1); and 4 more; short protein forms C136R, C202R, C224R, C246R, C258R, C268R, C508R, C581R.
Identifiers: ClinVar variation 4863144 (VCV004863144.1).

ClinVar aggregate classification (germline): Uncertain significance (1 of 4 stars; one submission).

Conditions:
Inborn genetic diseases. Identifiers: MedGen C0950123, MeSH D030342.

Submission:

Ambry Genetics
Classification: Uncertain significance for Inborn genetic diseases. Last evaluated: 2026-03-23. Review status: criteria provided, single submitter. Criteria: Ambry Variant Classification Scheme 2023. Collection method: clinical testing. Allele origin: germline.
Comment: The p.C625R variant (also known as c.1873T>C), located in coding exon 11 of the RECQL4 gene, results from a T to C substitution at nucleotide position 1873. The cysteine at codon 625 is replaced by arginine, an amino acid with highly dissimilar properties. This amino acid position is conserved. In addition, this alteration is predicted to be deleterious by in silico analysis. Based on the available evidence, the clinical significance of this variant remains unclear.